The following is an entry in ClinVar:

ClinVar aggregate classification (germline): Uncertain significance (1 of 4 stars; one submission).

Conditions:
Familial thoracic aortic aneurysm and aortic dissection (TAAD). Also called: Thoracic aortic aneurysms and dissections. Identifiers: Orphanet 91387, MedGen C4707243, MONDO:0019625.

Submission:

Ambry Genetics
Classification: Uncertain significance for Familial thoracic aortic aneurysm and aortic dissection. Last evaluated: 2021-08-12. Review status: criteria provided, single submitter. Criteria: Ambry Variant Classification Scheme 2023. Collection method: clinical testing. Allele origin: germline.
Comment: The p.I589F variant (also known as c.1765A>T), located in coding exon 15 of the PRKG1 gene, results from an A to T substitution at nucleotide position 1765. The isoleucine at codon 589 is replaced by phenylalanine, an amino acid with highly similar properties. This amino acid position is conserved. In addition, the in silico prediction for this alteration is inconclusive. Since supporting evidence is limited at this time, the clinical significance of this alteration remains unclear.

NM_006258.4(PRKG1):c.1765A>T (p.Ile589Phe)

Gene: PRKG1 (protein kinase cGMP-dependent 1; plus strand). Cytogenetic location: 10q21.1.
Variant type: single nucleotide variant.
Coding change: c.1765A>T on transcript NM_006258.4 (MANE Select); coding-DNA position 1765, A replaced by T.
Protein change: p.Ile589Phe; replaces isoleucine 589 with phenylalanine.
Molecular consequence: missense variant.
Genome position (GRCh38, 1-based): chr10:52,288,781, A>T. VCF-style: chr10-52288781-A-T. GRCh37 (hg19) VCF-style: chr10-54048541-A-T.
Other names: c.1720A>T, p.Ile574Phe (NM_001098512.3); c.556A>T, p.Ile186Phe (NM_001374781.1); short protein forms I589F, I574F, I186F.
Identifiers: ClinVar variation 1779658 (VCV001779658.2), dbSNP rs2492884664, ClinGen allele CA376536230.